The following is an entry in ClinVar:

NM_004006.3(DMD):c.1534C>T (p.His512Tyr)

Gene: DMD (dystrophin; minus strand). Cytogenetic location: Xp21.1.
Variant type: single nucleotide variant.
Coding change: c.1534C>T on transcript NM_004006.3 (MANE Select); coding-DNA position 1534, C replaced by T.
Protein change: p.His512Tyr; replaces histidine 512 with tyrosine.
Molecular consequence: missense variant.
Genome position (GRCh38, 1-based): chrX:32,595,825, G>A on the plus strand (C>T on the coding strand, the complement: DMD is on the minus strand). VCF-style: chrX-32595825-G-A. GRCh37 (hg19) VCF-style: chrX-32613942-G-A.
Other names: c.1510C>T, p.His504Tyr (NM_000109.4); c.1522C>T, p.His508Tyr (NM_004009.3); c.1165C>T, p.His389Tyr (NM_004010.3); short protein forms H389Y, H512Y, H504Y, H508Y.
Identifiers: ClinVar variation 845688 (VCV000845688.10), dbSNP rs147136371, ClinGen allele CA10379827.
Genomic context (GRCh38, chrX:32,595,825, plus strand): 5'-GTTCTTCCAAAGCAGCAGTTGCGTGATCTCCACTAGATTCATCAACTACCACCACCATGT[G>A]AGTGAGAGAATTGACCCTGACTTGTTCTTGTTCTAGATCTTCTTGAAGCACCTGAAAGAT-3'
Protein context (NP_003997.2, residues 502-522): QEQVRVNSLT[His512Tyr]MVVVVDESSG

ClinVar aggregate classification (germline): Conflicting classifications of pathogenicity. Review status: criteria provided, conflicting classifications (1 of 4 stars). 5 submissions from 5 submitters: Uncertain significance (3); Benign (1). 1 of the submissions does not count toward it. Last evaluated 2025-12-14.

Conditions:
Duchenne muscular dystrophy (DMD). Also called: Duchenne Muscular Dystrophy (DMD); MUSCULAR DYSTROPHY, PSEUDOHYPERTROPHIC PROGRESSIVE, DUCHENNE TYPE. Identifiers: Orphanet 98896, MedGen C0013264, MONDO:0010679, OMIM 310200.
Becker muscular dystrophy (BMD). Also called: MUSCULAR DYSTROPHY, PSEUDOHYPERTROPHIC PROGRESSIVE, BECKER TYPE; Becker Muscular Dystrophy (BMD). Identifiers: Orphanet 98895, MedGen C0917713, MONDO:0010311, OMIM 300376.
Dilated cardiomyopathy 3B (CMD3B). Also called: CMD3B: DMD-Related Dilated Cardiomyopathy; CARDIOMYOPATHY, DILATED, X-LINKED; DMD-Associated Dilated Cardiomyopathy. Identifiers: Orphanet 154, MedGen C3668940, MONDO:0010542, OMIM 302045.
Dystrophin deficiency.
Cardiomyopathy (CMYO). Also called: Cardiomyopathies. Identifiers: Orphanet 167848, MedGen C0878544, MONDO:0004994, HP:0001638. Inheritance: Various modes of inheritance.
Cardiovascular phenotype. Identifiers: MedGen CN230736.

Allele frequency attached by ClinVar (database versions not stated): gnomAD exomes below 0.00001 and 0.00001; ExAC 0.00001; TOPMed 0.00002; gnomAD 0.00004; ESP Exome Variant Server 0.00019.
gnomAD v4.1: 5 of 1,200,786 alleles (0.00042%); highest among the groups gnomAD compares: Non-Finnish European, 0.00056%; no homozygotes.

Submissions (5):

Labcorp Genetics (formerly Invitae), Labcorp
Classification: Benign for Duchenne muscular dystrophy. Last evaluated: 2025-12-14. Review status: criteria provided, single submitter. Criteria: Invitae Variant Classification Sherloc (09022015). Collection method: clinical testing. Allele origin: germline.

Ambry Genetics
Classification: Uncertain significance for Cardiovascular phenotype. Last evaluated: 2024-02-06. Review status: criteria provided, single submitter. Criteria: Ambry Variant Classification Scheme 2023. Collection method: clinical testing. Allele origin: germline.
Comment: The p.H512Y variant (also known as c.1534C>T), located in coding exon 13 of the DMD gene, results from a C to T substitution at nucleotide position 1534. The histidine at codon 512 is replaced by tyrosine, an amino acid with similar properties. Based on data from gnomAD, the T allele has an overall frequency of <0.01% (1/183249) total alleles studied, with 0 hemizygote(s) observed. The highest observed frequency was <0.01% (1/81810) of European (non-Finnish) alleles alleles. This amino acid position is highly conserved in available vertebrate species. In addition, the in silico prediction for this alteration is inconclusive. Based on the available evidence, the clinical significance of this alteration remains unclear.

Fulgent Genetics
Classification: Uncertain significance for Becker muscular dystrophy; Dilated cardiomyopathy 3B; Duchenne muscular dystrophy. Last evaluated: 2021-07-12. Review status: criteria provided, single submitter. Criteria: ACMG Guidelines, 2015. Collection method: clinical testing. Allele origin: unknown.

Revvity Omics, Revvity
Classification: Uncertain significance. Last evaluated: 2020-12-30. Review status: criteria provided, single submitter. Criteria: ACMG Guidelines, 2015. Collection method: clinical testing. Allele origin: germline.

Natera, Inc.
Classification: Uncertain significance for Becker muscular dystrophy; Cardiomyopathy; Duchenne muscular dystrophy; Dystrophin deficiency. Last evaluated: 2018-11-08. Review status: no assertion criteria provided. Collection method: clinical testing. Allele origin: germline. Not counted in ClinVar's aggregate classification.